The following is an entry in ClinVar:

NM_031407.7(HUWE1):c.2636A>G (p.Asn879Ser)

Gene: HUWE1 (HECT, UBA and WWE domain containing E3 ubiquitin protein ligase 1; minus strand). Cytogenetic location: Xp11.22.
Variant type: single nucleotide variant.
Coding change: c.2636A>G on transcript NM_031407.7 (MANE Select); coding-DNA position 2636, A replaced by G.
Protein change: p.Asn879Ser; replaces asparagine 879 with serine.
Molecular consequence: missense variant.
Genome position (GRCh38, 1-based): chrX:53,604,695, T>C on the plus strand (A>G on the coding strand, the complement: HUWE1 is on the minus strand). VCF-style: chrX-53604695-T-C. GRCh37 (hg19) VCF-style: chrX-53631656-T-C.
Other names: c.2636A>G (NM_031407.4, NM_031407.6); short protein forms N879S.
Identifiers: ClinVar variation 2077067 (VCV002077067.8), dbSNP rs781828206, ClinGen allele CA10422699.
Genomic context (GRCh38, chrX:53,604,695, plus strand): 5'-GCAGCAGTGAGTGCATGCAGCAGAGGTGTGGCCTGGGCTGAGAGGGTAGCATCAGCAACA[T>C]TGCCTGCGCAAGCCAGTTCTCGCAACAACACTGAGCCCCCAGGGGATTCAATGGGGCGGT-3'
Protein context (NP_113584.3, residues 869-889): VLLRELACAG[Asn879Ser]VADATLSAQA

ClinVar aggregate classification (germline): Benign/Likely benign. Review status: criteria provided, multiple submitters, no conflicts (2 of 4 stars). 3 submissions from 3 submitters: Benign (1); Likely benign (1). 1 of the submissions does not count toward it. Last evaluated 2025-03-30.

Conditions:
Inborn genetic diseases. Identifiers: MedGen C0950123, MeSH D030342.
HUWE1-related disorder. Also called: HUWE1-related condition.

Allele frequency attached by ClinVar (database versions not stated): gnomAD exomes 0.00004; TOPMed 0.00010; gnomAD 0.00005; ExAC 0.00007.
gnomAD v4.1: 52 of 1,210,077 alleles (0.0043%); highest among the groups gnomAD compares: Middle Eastern, 0.023%; no homozygotes.

Submissions (3):

Labcorp Genetics (formerly Invitae), Labcorp
Classification: Benign. Last evaluated: 2025-03-30. Review status: criteria provided, single submitter. Criteria: Invitae Variant Classification Sherloc (09022015). Collection method: clinical testing. Allele origin: germline.

Ambry Genetics
Classification: Likely benign for Inborn genetic diseases. Last evaluated: 2023-05-24. Review status: criteria provided, single submitter. Criteria: Ambry Variant Classification Scheme 2023. Collection method: clinical testing. Allele origin: germline.

PreventionGenetics, part of Exact Sciences
Classification: Likely benign for HUWE1-related condition. Last evaluated: 2023-09-05. Review status: no assertion criteria provided. Collection method: clinical testing. Allele origin: germline. Not counted in ClinVar's aggregate classification.
Comment: This variant is classified as likely benign based on ACMG/AMP sequence variant interpretation guidelines (Richards et al. 2015 PMID: 25741868, with internal and published modifications).